The following is an entry in ClinVar:

ClinVar aggregate classification (germline): Likely benign. Review status: criteria provided, multiple submitters, no conflicts (2 of 4 stars). 2 submissions from 2 submitters: Likely benign (2). Last evaluated 2025-06-04.

Allele frequency attached by ClinVar (database versions not stated): ExAC 0.00006; gnomAD 0.00006; TOPMed 0.00004; ESP Exome Variant Server 0.00008; gnomAD exomes 0.00008 and 0.00018.
gnomAD v4.1: 274 of 1,613,272 alleles (0.017%); highest among the groups gnomAD compares: Non-Finnish European, 0.022%; no homozygotes.

Submissions (2):

Labcorp Genetics (formerly Invitae), Labcorp
Classification: Likely benign. Last evaluated: 2025-06-04. Review status: criteria provided, single submitter. Criteria: Invitae Variant Classification Sherloc (09022015). Collection method: clinical testing. Allele origin: germline.

CeGaT Center for Human Genetics Tuebingen
Classification: Likely benign. Last evaluated: 2024-06-01. Review status: criteria provided, single submitter. Criteria: CeGaT Center For Human Genetics Tuebingen Variant Classification Criteria Version 2. Collection method: clinical testing. Allele origin: germline. Affected: yes. Observed: 1 variant allele.
Comment: ZNF335: BP4, BP7

NM_022095.4(ZNF335):c.3024G>A (p.Pro1008=)

Gene: ZNF335 (zinc finger protein 335; minus strand). Cytogenetic location: 20q13.12.
Variant type: single nucleotide variant.
Coding change: c.3024G>A on transcript NM_022095.4 (MANE Select); coding-DNA position 3024, G replaced by A.
Protein change: p.Pro1008=; no amino-acid change (proline 1008 retained).
Molecular consequence: synonymous variant.
Genome position (GRCh38, 1-based): chr20:45,952,312, C>T on the plus strand (G>A on the coding strand, the complement: ZNF335 is on the minus strand). VCF-style: chr20-45952312-C-T. GRCh37 (hg19) VCF-style: chr20-44580951-C-T.
Identifiers: ClinVar variation 1594153 (VCV001594153.26), dbSNP rs149107421, ClinGen allele CA9885172.